The following is an entry in ClinVar:

ClinVar aggregate classification (germline): Uncertain significance (1 of 4 stars; one submission).

Allele frequency attached by ClinVar (database versions not stated): gnomAD exomes below 0.00001.
gnomAD v4.1: 3 of 1,205,616 alleles (0.00025%); highest among the groups gnomAD compares: Non-Finnish European, 0.00022%; no homozygotes.

Submission:

GeneDx
Classification: Uncertain significance. Last evaluated: 2023-01-30. Review status: criteria provided, single submitter. Criteria: GeneDx Variant Classification Process June 2021. Collection method: clinical testing. Allele origin: germline. Affected: yes.
Comment: Not observed at significant frequency in large population cohorts (gnomAD); In silico analysis supports that this missense variant does not alter protein structure/function; Has not been previously published as pathogenic or benign to our knowledge

NM_031206.7(LAS1L):c.1099G>A (p.Val367Met)

Gene: LAS1L (LAS1 like ribosome biogenesis factor; minus strand). Cytogenetic location: Xq12.
Variant type: single nucleotide variant.
Coding change: c.1099G>A on transcript NM_031206.7 (MANE Select); coding-DNA position 1099, G replaced by A.
Protein change: p.Val367Met; replaces valine 367 with methionine.
Molecular consequence: missense variant. On other transcripts: non-coding transcript variant (1).
Genome position (GRCh38, 1-based): chrX:65,524,257, C>T on the plus strand (G>A on the coding strand, the complement: LAS1L is on the minus strand). VCF-style: chrX-65524257-C-T. GRCh37 (hg19) VCF-style: chrX-64744137-C-T.
Other names: c.1048G>A, p.Val350Met (NM_001170649.2, NM_001375331.1, NM_001375333.1 and 2 more transcripts); c.922G>A, p.Val308Met (NM_001170650.2); c.1099G>A, p.Val367Met (NM_001375328.1, NM_001375329.1, NM_001375330.1 and 3 more transcripts); c.142G>A, p.Val48Met (NM_001375332.1); short protein forms V308M, V350M, V367M, V48M.
Identifiers: ClinVar variation 2574544 (VCV002574544.1), dbSNP rs2069005756, ClinGen allele CA413317720.
Genomic context (GRCh38, chrX:65,524,257, plus strand): 5'-TGAGCAGGGGCTGCCAGAACTGAGAGAACGGCTTTGGCACCAGGACGTCATTCAAGTCCA[C>T]GTTTTCTGGTTTGTAAGGGACACCCATTTGGGGGGGCAATAGGAGAGAGAGAGCAGGAGA-3'
Protein context (NP_112483.1, residues 357-377): EGTDPKSHKN[Val367Met]DLNDVLVPKP